The following is an entry in ClinVar:

ClinVar aggregate classification (germline): Uncertain significance (1 of 4 stars; one submission).

Conditions:
Tuberous sclerosis 1 (TSC1). Identifiers: Orphanet 805, MedGen C1854465, MONDO:0008612, OMIM 191100.

Submission:

Labcorp Genetics (formerly Invitae), Labcorp
Classification: Uncertain significance for Tuberous sclerosis 1. Last evaluated: 2022-11-10. Review status: criteria provided, single submitter. Criteria: Invitae Variant Classification Sherloc (09022015). Collection method: clinical testing. Allele origin: germline.
Comment: In summary, the available evidence is currently insufficient to determine the role of this variant in disease. Therefore, it has been classified as a Variant of Uncertain Significance. Algorithms developed to predict the effect of sequence changes on RNA splicing suggest that this variant may create or strengthen a splice site. Advanced modeling of protein sequence and biophysical properties (such as structural, functional, and spatial information, amino acid conservation, physicochemical variation, residue mobility, and thermodynamic stability) performed at Invitae indicates that this missense variant is not expected to disrupt TSC1 protein function. This variant has not been reported in the literature in individuals affected with TSC1-related conditions. This variant is not present in population databases (gnomAD no frequency). This sequence change replaces arginine, which is basic and polar, with leucine, which is neutral and non-polar, at codon 509 of the TSC1 protein (p.Arg509Leu).

NM_000368.5(TSC1):c.1526G>T (p.Arg509Leu)

Gene: TSC1 (TSC complex subunit 1; minus strand). Cytogenetic location: 9q34.13.
Variant type: single nucleotide variant.
Coding change: c.1526G>T on transcript NM_000368.5 (MANE Select); coding-DNA position 1526, G replaced by T.
Protein change: p.Arg509Leu; replaces arginine 509 with leucine.
Molecular consequence: missense variant. On other transcripts: non-coding transcript variant (5).
Genome position (GRCh38, 1-based): chr9:132,906,052, C>A on the plus strand (G>T on the coding strand, the complement: TSC1 is on the minus strand). VCF-style: chr9-132906052-C-A. GRCh37 (hg19) VCF-style: chr9-135781439-C-A.
Other names: c.1523G>T, p.Arg508Leu (NM_001162426.2, NM_001406597.1, NM_001406598.1 and 6 more transcripts); c.1373G>T, p.Arg458Leu (NM_001162427.2, NM_001406610.1); c.1163G>T, p.Arg388Leu (NM_001362177.2, NM_001406619.1, NM_001406624.1 and 5 more transcripts); c.1526G>T, p.Arg509Leu (NM_001406592.1, NM_001406593.1, NM_001406594.1 and 7 more transcripts); c.1160G>T, p.Arg387Leu (NM_001406620.1, NM_001406621.1, NM_001406622.1 and 2 more transcripts); c.575G>T, p.Arg192Leu (NM_001406626.1); c.572G>T, p.Arg191Leu (NM_001406627.1, NM_001406628.1); c.473G>T, p.Arg158Leu (NM_001406629.1, NM_001406630.1); and 1 more; short protein forms R192L, R387L, R508L, R191L, R388L, R457L, R458L, R509L.
Identifiers: ClinVar variation 2813556 (VCV002813556.3), dbSNP rs118203543, ClinGen allele CA375365243.